The following is an entry in ClinVar:

ClinVar aggregate classification (germline): Uncertain significance (1 of 4 stars; one submission).

Submission:

GeneDx
Classification: Uncertain significance. Last evaluated: 2024-03-26. Review status: criteria provided, single submitter. Criteria: GeneDx Variant Classification Process June 2021. Collection method: clinical testing. Allele origin: germline. Affected: yes.
Comment: Not observed at significant frequency in large population cohorts (gnomAD); Canonical splice site variant in a gene or region of a gene for which loss of function is not a well-established mechanism of disease; Has not been previously published as pathogenic or benign to our knowledge

NM_005754.3(G3BP1):c.442+1G>T

Gene: G3BP1 (G3BP stress granule assembly factor 1; plus strand). Cytogenetic location: 5q33.1.
Variant type: single nucleotide variant.
Coding change: c.442+1G>T on transcript NM_005754.3 (MANE Select); the canonical splice donor site of the intron after coding-DNA position 442, G replaced by T.
Molecular consequence: splice donor variant.
Genome position (GRCh38, 1-based): chr5:151,794,250, G>T. VCF-style: chr5-151794250-G-T. GRCh37 (hg19) VCF-style: chr5-151173811-G-T.
Other names: c.442+1G>T (NM_198395.2).
Identifiers: ClinVar variation 3371659 (VCV003371659.1).